The following is an entry in ClinVar:

ClinVar aggregate classification (germline): Uncertain significance (1 of 4 stars; one submission).

Submission:

New York Genome Center
Classification: Uncertain significance. Last evaluated: 2020-04-29. Review status: criteria provided, single submitter. Criteria: NYGC Assertion Criteria 2020. Collection method: clinical testing. Allele origin: germline. Observed: 1 heterozygote. Study: CSER-NYCKidSeq.
Comment: The heterozygous c.3+1G>T splice site variant identified in KLF7 has not been reported in the literature in affected individuals and is absent from the gnomAD database indicating it is an extremely rare allele in the general population. The variant affects the canonical splice donor site in intron1of the KLF7 gene and is predicted to cause abnormal gene splicing, either subjecting the transcript to nonsense-mediated mRNA decay orresulting inan abnormal protein product if the message is used for protein translation. The KLF7gene has at least 4 different protein-coding isoforms each with a unique transcriptional and translational start site. The c.3+1G>Tsplice site variant is located in intron 1 of the isoform NM_001270943.1 and would not affect normal splicing of the remaining three isoforms. Therefore, potential consequences of c.3+1G>T variant on normal function(s) of KLF7 are unclear at this time. Based on the current evidence, the c.3+1G>T splice site variant in the KLF7 gene is assessed as a variant of uncertain significance.

NM_001270943.2(KLF7):c.3+1G>T

Gene: KLF7 (KLF transcription factor 7; minus strand). Cytogenetic location: 2q33.3.
Variant type: single nucleotide variant.
Coding change: c.3+1G>T on transcript NM_001270943.2; the canonical splice donor site of the intron after coding-DNA position 3, G replaced by T.
Molecular consequence: splice donor variant.
Genome position (GRCh38, 1-based): chr2:207,167,139, C>A on the plus strand (G>T on the coding strand, the complement: KLF7 is on the minus strand). VCF-style: chr2-207167139-C-A. GRCh37 (hg19) VCF-style: chr2-208031863-C-A.
Identifiers: ClinVar variation 1325587 (VCV001325587.3), dbSNP rs2078739906, ClinGen allele CA350158068.